The following is an entry in ClinVar:

ClinVar aggregate classification (germline): Uncertain significance (1 of 4 stars; one submission).

Conditions:
Primary dilated cardiomyopathy (DCM). Also called: Dilated Cardiomyopathy. Identifiers: Orphanet 217604, MedGen C0007193, MeSH D002311, MONDO:0005021, HP:0001644. Inheritance: Various modes of inheritance.

Submission:

Labcorp Genetics (formerly Invitae), Labcorp
Classification: Uncertain significance for Primary dilated cardiomyopathy. Last evaluated: 2022-08-16. Review status: criteria provided, single submitter. Criteria: Invitae Variant Classification Sherloc (09022015). Collection method: clinical testing. Allele origin: germline.
Comment: In summary, the available evidence is currently insufficient to determine the role of this variant in disease. Therefore, it has been classified as a Variant of Uncertain Significance. Experimental studies and prediction algorithms are not available or were not evaluated, and the functional significance of this variant is currently unknown. This variant has not been reported in the literature in individuals affected with NEBL-related conditions. This variant is not present in population databases (gnomAD no frequency). This variant, c.2041_2043dup, results in the insertion of 1 amino acid(s) of the NEBL protein (p.Glu681dup), but otherwise preserves the integrity of the reading frame.

NM_006393.3(NEBL):c.2041_2043dup (p.Glu681_Gln682insGlu)

Gene: NEBL (nebulette; minus strand). Cytogenetic location: 10p12.31.
Variant type: Duplication.
Coding change: c.2041_2043dup on transcript NM_006393.3 (MANE Select); coding-DNA positions 2041 to 2043, 3 bases duplicated (GAG; older notation c.2041_2043dupGAG).
Protein change: p.Glu681_Gln682insGlu.
Molecular consequence: inframe insertion. On other transcripts: intron variant (9).
Genome position (GRCh38, 1-based): chr10:20,819,436-20,819,438, CTC duplicated on the plus strand (GAG on the coding strand, the reverse complement: NEBL is on the minus strand); duplicating any 3 consecutive bases within chr10:20,819,436-20,819,440 gives the same sequence; the c. name uses the placement nearest the transcript's 3' end. VCF-style (leftmost placement, unchanged base first): chr10-20819435-G-GCTC. GRCh37 (hg19) VCF-style: chr10-21108364-G-GCTC.
Other names: c.250-6498_250-6496dup (NM_001377326.1, NM_001377327.1, NM_001377328.1); c.358-6498_358-6496dup (NM_213569.2, NM_001173484.2, NM_001377322.1); c.301-6498_301-6496dup (NM_001377324.1); c.292-6498_292-6496dup (NM_001377325.1); c.310-6498_310-6496dup (NM_001377323.1).
Identifiers: ClinVar variation 2051084 (VCV002051084.4), dbSNP rs2491664988, ClinGen allele CA912966948.